The following is an entry in ClinVar:

ClinVar aggregate classification (germline): Pathogenic. Review status: criteria provided, multiple submitters, no conflicts (2 of 4 stars). 7 submissions from 7 submitters: Pathogenic (5). 2 of the submissions do not count toward it. Last evaluated 2024-03-12.

Conditions:
Maple syrup urine disease (MSUD). Identifiers: Orphanet 511, MedGen C0024776, MeSH D008375, MONDO:0009563. Disease mechanism: loss of function.
Maple syrup urine disease type 1A (MSUD1A). Also called: MSUD type 1A. Identifiers: MedGen C1855369, MONDO:0023691, OMIM 248600.

Submissions (7):

Fulgent Genetics
Classification: Pathogenic for Maple syrup urine disease type 1A. Last evaluated: 2024-03-12. Review status: criteria provided, single submitter. Criteria: ACMG Guidelines, 2015. Collection method: clinical testing. Allele origin: germline.

Laboratory of Medical Genetics, National & Kapodistrian University of Athens
Classification: Pathogenic for Maple syrup urine disease type 1A. Last evaluated: 2024-02-01. Review status: criteria provided, single submitter. Criteria: ACMG Guidelines, 2015. Collection method: curation. Allele origin: germline. Affected: no.

Baylor Genetics
Classification: Pathogenic for Maple syrup urine disease type 1A. Last evaluated: 2023-09-26. Review status: criteria provided, single submitter. Criteria: ACMG Guidelines, 2015. Collection method: clinical testing. Allele origin: unknown.

Labcorp Genetics (formerly Invitae), Labcorp
Classification: Pathogenic for Maple syrup urine disease. Last evaluated: 2023-05-19. Review status: criteria provided, single submitter. Criteria: Invitae Variant Classification Sherloc (09022015). Collection method: clinical testing. Allele origin: germline.
Comment: ClinVar contains an entry for this variant (Variation ID: 558389). For these reasons, this variant has been classified as Pathogenic. This premature translational stop signal has been observed in individual(s) with maple syrup urine disease (PMID: 19715473). This variant is not present in population databases (gnomAD no frequency). This sequence change creates a premature translational stop signal (p.Ala240Glnfs*90) in the BCKDHA gene. It is expected to result in an absent or disrupted protein product. Loss-of-function variants in BCKDHA are known to be pathogenic (PMID: 16786533, 22593002).

Genome-Nilou Lab
Classification: Pathogenic for Maple syrup urine disease type 1A. Last evaluated: 2021-11-07. Review status: criteria provided, single submitter. Criteria: ACMG Guidelines, 2015. Collection method: clinical testing. Allele origin: germline. Affected: no.

Natera, Inc.
Classification: Pathogenic for Maple syrup urine disease type 1A. Last evaluated: 2021-02-02. Review status: no assertion criteria provided. Collection method: clinical testing. Allele origin: germline. Not counted in ClinVar's aggregate classification.

Counsyl
Classification: Pathogenic for Maple syrup urine disease type 1A. Last evaluated: 2018-05-18. Review status: no assertion criteria provided. Collection method: clinical testing. Allele origin: unknown. Not counted in ClinVar's aggregate classification.

Literature cited by the submitters: PubMed 19715473 (cited by Labcorp Genetics (formerly Invitae), Labcorp and Counsyl); PubMed 16786533 (cited by Labcorp Genetics (formerly Invitae), Labcorp); PubMed 22593002 (cited by Labcorp Genetics (formerly Invitae), Labcorp).

NM_000709.4(BCKDHA):c.718del (p.Ala240fs)

Gene: BCKDHA (branched chain keto acid dehydrogenase E1 subunit alpha; plus strand). Cytogenetic location: 19q13.2.
Variant type: Deletion.
Coding change: c.718del on transcript NM_000709.4 (MANE Select); coding-DNA position 718, one base deleted (G; older notation c.718delG).
Protein change: p.Ala240fs; shifts the reading frame from alanine 240.
Molecular consequence: frameshift variant.
Genome position (GRCh38, 1-based): chr19:41,422,235, G deleted; the last of 5 consecutive G bases (chr19:41,422,231-41,422,235); deleting any one gives the same sequence. VCF-style (leftmost placement, unchanged base first): chr19-41422230-AG-A. GRCh37 (hg19) VCF-style: chr19-41928135-AG-A.
Other names: c.718del (NM_001164783.1); c.718del, p.Ala240fs (NM_001164783.2); short protein forms A240fs.
Identifiers: ClinVar variation 558389 (VCV000558389.18), dbSNP rs1555766993, ClinGen allele CA658820749.